The following is an entry in ClinVar:

ClinVar aggregate classification (germline): Conflicting classifications of pathogenicity. Review status: criteria provided, conflicting classifications (1 of 4 stars). 4 submissions from 3 submitters: Uncertain significance (1); Benign (2); Likely benign (1). Last evaluated 2024-05-04.

Conditions:
Inflammatory bowel disease 1 (IBD1). Also called: Inflammatory bowel disease 1, Crohn disease; INFLAMMATORY BOWEL DISEASE (CROHN DISEASE) 1. Identifiers: MedGen CN260071, MONDO:0009960, OMIM 266600.
Blau syndrome (BLAUS). Also called: GRANULOMATOSIS, FAMILIAL JUVENILE SYSTEMIC; GRANULOMATOSIS, FAMILIAL, BLAU TYPE; GRANULOMATOUS INFLAMMATORY ARTHRITIS, DERMATITIS, AND UVEITIS, FAMILIAL; JABS SYNDROME; ARTHROCUTANEOUVEAL GRANULOMATOSIS. Identifiers: Orphanet 90340, MedGen C5201146, MONDO:0008523, OMIM 186580.
Regional enteritis. Also called: Enteritis, Granulomatous. Identifiers: MedGen C0678202, MeSH D003424.

Allele frequency attached by ClinVar (database versions not stated): TOPMed 0.00003; gnomAD exomes 0.00008 and 0.00023; gnomAD 0.00012 and 0.00013; ExAC 0.00019.
gnomAD v4.1: 132 of 1,613,832 alleles (0.0082%); highest among the groups gnomAD compares: Non-Finnish European, 0.0025%; 1 homozygote.

Submissions (4):

Labcorp Genetics (formerly Invitae), Labcorp
Classification: Benign for Regional enteritis; Blau syndrome. Last evaluated: 2024-05-04. Review status: criteria provided, single submitter. Criteria: Invitae Variant Classification Sherloc (09022015). Collection method: clinical testing. Allele origin: germline.

Blueprint Genetics
Classification: Likely benign. Last evaluated: 2023-11-08. Review status: criteria provided, single submitter. Criteria: ACMG Guidelines, 2015. Collection method: clinical testing. Allele origin: germline.

Illumina Laboratory Services, Illumina
Classification: Benign for Blau syndrome. Last evaluated: 2018-01-13. Review status: criteria provided, single submitter. Criteria: ICSL Variant Classification Criteria 13 December 2019. Collection method: clinical testing. Allele origin: germline.
Comment: This variant was observed in the ICSL laboratory as part of a predisposition screen in an ostensibly healthy population. It had not been previously curated by ICSL or reported in the Human Gene Mutation Database (HGMD: prior to June 1st, 2018), and was therefore a candidate for classification through an automated scoring system. Utilizing variant allele frequency, disease prevalence and penetrance estimates, and inheritance mode, an automated score was calculated to assess if this variant is too frequent to cause the disease. Based on the score and internal cut-off values, a variant classified as benign is not then subjected to further curation. The score for this variant resulted in a classification of benign for this disease.

Illumina Laboratory Services, Illumina
Classification: Uncertain significance for Inflammatory bowel disease 1. Last evaluated: 2018-01-13. Review status: criteria provided, single submitter. Criteria: ICSL Variant Classification Criteria 13 December 2019. Collection method: clinical testing. Allele origin: germline.

NM_001370466.1(NOD2):c.2781C>T (p.Asn927=)

Gene: NOD2 (nucleotide binding oligomerization domain containing 2; plus strand). Cytogenetic location: 16q12.1.
Variant type: single nucleotide variant.
Coding change: c.2781C>T on transcript NM_001370466.1 (MANE Select); coding-DNA position 2781, C replaced by T.
Protein change: p.Asn927=; no amino-acid change (asparagine 927 retained).
Molecular consequence: synonymous variant. On other transcripts: non-coding transcript variant (1).
Genome position (GRCh38, 1-based): chr16:50,723,364, C>T. VCF-style: chr16-50723364-C-T. GRCh37 (hg19) VCF-style: chr16-50757275-C-T.
Other names: c.2781C>T, p.Asn927= (NM_001293557.2); c.2862C>T, p.Asn954= (NM_022162.3).
Identifiers: ClinVar variation 887426 (VCV000887426.16), dbSNP rs758223679, ClinGen allele CA8052002.